The following is an entry in ClinVar:

NM_198514.4(NHLRC2):c.1348G>T (p.Val450Leu)

Gene: NHLRC2 (NHL repeat containing 2; plus strand). Cytogenetic location: 10q25.3.
Variant type: single nucleotide variant.
Coding change: c.1348G>T on transcript NM_198514.4 (MANE Select); coding-DNA position 1348, G replaced by T.
Protein change: p.Val450Leu; replaces valine 450 with leucine.
Molecular consequence: missense variant.
Genome position (GRCh38, 1-based): chr10:113,901,874, G>T. VCF-style: chr10-113901874-G-T. GRCh37 (hg19) VCF-style: chr10-115661633-G-T.
Other names: short protein forms V450L.
Identifiers: ClinVar variation 1027927 (VCV001027927.1), dbSNP rs558242040, ClinGen allele CA378534076.

ClinVar aggregate classification (germline): Uncertain significance (1 of 4 stars; one submission).

Conditions:
Fibrosis, neurodegeneration, and cerebral angiomatosis. Also called: Fibrosis-neurodegeneration-cerebral angiomatosis syndrome. Identifiers: Orphanet 621758, MedGen C4748939, MONDO:0032651, OMIM 618278.

gnomAD v4.1: 1 of 1,613,118 alleles (0.000062%); highest among the groups gnomAD compares: Non-Finnish European, 0.000085%; no homozygotes.

Submission:

Baylor Genetics
Classification: Uncertain significance for Fibrosis, neurodegeneration, and cerebral angiomatosis. Last evaluated: 2019-12-13. Review status: criteria provided, single submitter. Criteria: ACMG Guidelines, 2015. Collection method: clinical testing. Allele origin: de novo. Affected: yes.
Comment: This variant was determined to be of uncertain significance according to ACMG Guidelines, 2015 [PMID:25741868].